The following is an entry in ClinVar:

ClinVar aggregate classification (germline): Uncertain significance. Review status: criteria provided, multiple submitters, no conflicts (2 of 4 stars). 2 submissions from 2 submitters: Uncertain significance (2). Last evaluated 2025-01-31.

Conditions:
Cardiovascular phenotype. Identifiers: MedGen CN230736.
Long QT syndrome (LQTS). Identifiers: MedGen C0023976, MeSH D008133, MONDO:0002442. Disease mechanism: loss of function. Inheritance: Various modes of inheritance.

Allele frequency attached by ClinVar (database versions not stated): gnomAD 0.00001.
gnomAD v4.1: 7 of 1,609,900 alleles (0.00043%); highest among the groups gnomAD compares: Admixed American, 0.0067%; no homozygotes.

Submissions (2):

Ambry Genetics
Classification: Uncertain significance for Cardiovascular phenotype. Last evaluated: 2025-01-31. Review status: criteria provided, single submitter. Criteria: Ambry Variant Classification Scheme 2023. Collection method: clinical testing. Allele origin: germline.

Labcorp Genetics (formerly Invitae), Labcorp
Classification: Uncertain significance for Long QT syndrome. Last evaluated: 2024-07-01. Review status: criteria provided, single submitter. Criteria: Invitae Variant Classification Sherloc (09022015). Collection method: clinical testing. Allele origin: germline.
Comment: This sequence change replaces lysine, which is basic and polar, with isoleucine, which is neutral and non-polar, at codon 3563 of the AKAP9 protein (p.Lys3563Ile). This variant is present in population databases (rs150527358, gnomAD 0.009%). This variant has not been reported in the literature in individuals affected with AKAP9-related conditions. ClinVar contains an entry for this variant (Variation ID: 2626293). An algorithm developed to predict the effect of missense changes on protein structure and function (PolyPhen-2) suggests that this variant is likely to be tolerated. In summary, the available evidence is currently insufficient to determine the role of this variant in disease. Therefore, it has been classified as a Variant of Uncertain Significance.

NM_005751.5(AKAP9):c.10688A>T (p.Lys3563Ile)

Gene: AKAP9 (A-kinase anchoring protein 9; plus strand). Cytogenetic location: 7q21.2.
Variant type: single nucleotide variant.
Coding change: c.10688A>T on transcript NM_005751.5 (MANE Select); coding-DNA position 10688, A replaced by T.
Protein change: p.Lys3563Ile; replaces lysine 3563 with isoleucine.
Molecular consequence: missense variant.
Genome position (GRCh38, 1-based): chr7:92,098,189, A>T. VCF-style: chr7-92098189-A-T. GRCh37 (hg19) VCF-style: chr7-91727503-A-T.
Other names: c.5333A>T, p.Lys1778Ile (NM_001379277.1); c.10664A>T, p.Lys3555Ile (NM_147185.3); short protein forms K1778I, K3563I, K3555I.
Identifiers: ClinVar variation 2626293 (VCV002626293.5), dbSNP rs150527358, ClinGen allele CA4337998.
Genomic context (GRCh38, chr7:92,098,189, plus strand): 5'-ATGATGAAGATTTCATTTGGGTTCAGGAAAATATTGATGAAATTATTTTACAACTACAGA[A>T]ATTAACTGGCCAGCAAGGTGAAGAGGTAATACTTTTTAAAAGTTATTTCTGAAGCATTGA-3'
Protein context (NP_005742.4, residues 3553-3573): NIDEIILQLQ[Lys3563Ile]LTGQQGEEPS